The following is an entry in ClinVar:

ClinVar aggregate classification (germline): Uncertain significance (1 of 4 stars; one submission).

Conditions:
Agammaglobulinemia 6, autosomal recessive (AGM6). Also called: AGAMMAGLOBULINEMIA 6; AGAMMAGLOBULINEMIA, AUTOSOMAL RECESSIVE, DUE TO CD79B DEFECT. Identifiers: MedGen C3150207, MONDO:0012987, OMIM 612692.

gnomAD v4.1: 1 of 1,613,874 alleles (0.000062%); no homozygotes.

Submission:

Labcorp Genetics (formerly Invitae), Labcorp
Classification: Uncertain significance for Agammaglobulinemia 6, autosomal recessive. Last evaluated: 2024-09-04. Review status: criteria provided, single submitter. Criteria: Invitae Variant Classification Sherloc (09022015). Collection method: clinical testing. Allele origin: germline.
Comment: This sequence change replaces serine, which is neutral and polar, with asparagine, which is neutral and polar, at codon 186 of the CD79B protein (p.Ser186Asn). This variant is not present in population databases (gnomAD no frequency). This variant has not been reported in the literature in individuals affected with CD79B-related conditions. ClinVar contains an entry for this variant (Variation ID: 945679). An algorithm developed to predict the effect of missense changes on protein structure and function (PolyPhen-2) suggests that this variant¬†is likely to be tolerated. In summary, the available evidence is currently insufficient to determine the role of this variant in disease. Therefore, it has been classified as a Variant of Uncertain Significance.

NM_000626.4(CD79B):c.557G>A (p.Ser186Asn)

Genes: CD79B (CD79b molecule; minus strand), GH-LCR (growth hormone locus control region; plus strand). Cytogenetic location: 17q23.3.
Variant type: single nucleotide variant.
Coding change: c.557G>A on transcript NM_000626.4 (MANE Select); coding-DNA position 557, G replaced by A.
Protein change: p.Ser186Asn; replaces serine 186 with asparagine.
Molecular consequence: missense variant.
Genome position (GRCh38, 1-based): chr17:63,929,468, C>T on the plus strand (G>A on the coding strand, the complement: CD79B is on the minus strand). VCF-style: chr17-63929468-C-T. GRCh37 (hg19) VCF-style: chr17-62006828-C-T.
Other names: c.560G>A, p.Ser187Asn (NM_001039933.3); c.248G>A, p.Ser83Asn (NM_001329050.2); c.245G>A, p.Ser82Asn (NM_021602.4); short protein forms S82N, S186N, S187N, S83N.
Identifiers: ClinVar variation 945679 (VCV000945679.7), dbSNP rs1290989439, ClinGen allele CA400603844.
Genomic context (GRCh38, chr17:63,929,468, plus strand): 5'-GCTGCTGGGCCTGCCCCTCTCCTTACCTCGTAGGTGTGATCTTCCTCCATGCCAGCCTTG[C>T]TGTCATCCTGGGGGCGGAGAGGGATGGAGATCAGAGTGTTAGTGTCCCCCAGCCCCATCC-3'
Protein context (NP_000617.1, residues 176-196): PIFLLLDKDD[Ser186Asn]KAGMEEDHTY